The following is an entry in ClinVar:

ClinVar aggregate classification (germline): Uncertain significance (1 of 4 stars; one submission).

gnomAD v4.1: 1 of 1,613,272 alleles (0.000062%); highest among the groups gnomAD compares: Non-Finnish European, 0.000085%; no homozygotes.

Submission:

Labcorp Genetics (formerly Invitae), Labcorp
Classification: Uncertain significance. Last evaluated: 2024-05-21. Review status: criteria provided, single submitter. Criteria: Invitae Variant Classification Sherloc (09022015). Collection method: clinical testing. Allele origin: germline.
Comment: This sequence change replaces arginine, which is basic and polar, with glutamine, which is neutral and polar, at codon 208 of the IKZF1 protein (p.Arg208Gln). This variant is not present in population databases (gnomAD no frequency). This variant has not been reported in the literature in individuals affected with IKZF1-related conditions. An algorithm developed to predict the effect of missense changes on protein structure and function (PolyPhen-2) suggests that this variant is likely to be disruptive. In summary, the available evidence is currently insufficient to determine the role of this variant in disease. Therefore, it has been classified as a Variant of Uncertain Significance.

NM_006060.6(IKZF1):c.623G>A (p.Arg208Gln)

Gene: IKZF1 (IKAROS family zinc finger 1; plus strand). Cytogenetic location: 7p12.2.
Variant type: single nucleotide variant.
Coding change: c.623G>A on transcript NM_006060.6 (MANE Select); coding-DNA position 623, G replaced by A.
Protein change: p.Arg208Gln; replaces arginine 208 with glutamine.
Molecular consequence: missense variant. On other transcripts: intron variant (9).
Genome position (GRCh38, 1-based): chr7:50,387,378, G>A. VCF-style: chr7-50387378-G-A. GRCh37 (hg19) VCF-style: chr7-50455076-G-A.
Other names: c.362G>A, p.Arg121Gln (NM_001220767.2, NM_001291838.2); c.194G>A, p.Arg65Gln (NM_001291841.1, NM_001291842.1); c.683G>A, p.Arg228Gln (NM_001410879.1); c.329-4351G>A (NM_001291839.2, NM_001220770.2); c.590-4351G>A (NM_001220765.3, NM_001291837.2); c.589+4671G>A (NM_001220768.2); c.421+10585G>A (NM_001220771.2); c.161-4351G>A (NM_001291843.1, NM_001291844.1); and 1 more; short protein forms R121Q, R208Q, R228Q, R65Q.
Identifiers: ClinVar variation 3700353 (VCV003700353.2).